The following is an entry in ClinVar:

NM_005530.3(IDH3A):c.181A>C (p.Ile61Leu)

Gene: IDH3A (isocitrate dehydrogenase (NAD(+)) 3 catalytic subunit alpha; plus strand). Cytogenetic location: 15q25.1.
Variant type: single nucleotide variant.
Coding change: c.181A>C on transcript NM_005530.3 (MANE Select); coding-DNA position 181, A replaced by C.
Protein change: p.Ile61Leu; replaces isoleucine 61 with leucine.
Molecular consequence: missense variant.
Genome position (GRCh38, 1-based): chr15:78,160,098, A>C. VCF-style: chr15-78160098-A-C. GRCh37 (hg19) VCF-style: chr15-78452440-A-C.
Other names: short protein forms I61L.
Identifiers: ClinVar variation 2100456 (VCV002100456.4), dbSNP rs2548836472, ClinGen allele CA393541169.
Genomic context (GRCh38, chr15:78,160,098, plus strand): 5'-GCCAGTTTCCTTTAAGTCTCTCCAGCTCACTGTGCTCTGTGATGTGGCATCTAGGCACCT[A>C]TTCAGTGGGAGGAGCGGAACGTCACTGCCATTCAAGGACCTGGAGGAAAGTGGATGATCC-3'
Protein context (NP_005521.1, residues 51-71): MKIFDAAKAP[Ile61Leu]QWEERNVTAI

ClinVar aggregate classification (germline): Uncertain significance (1 of 4 stars; one submission).

Submission:

Labcorp Genetics (formerly Invitae), Labcorp
Classification: Uncertain significance. Last evaluated: 2022-02-20. Review status: criteria provided, single submitter. Criteria: Invitae Variant Classification Sherloc (09022015). Collection method: clinical testing. Allele origin: germline.
Comment: This variant has not been reported in the literature in individuals affected with IDH3A-related conditions. In summary, the available evidence is currently insufficient to determine the role of this variant in disease. Therefore, it has been classified as a Variant of Uncertain Significance. Algorithms developed to predict the effect of missense changes on protein structure and function are either unavailable or do not agree on the potential impact of this missense change (SIFT: "Deleterious"; PolyPhen-2: "Benign"; Align-GVGD: "Class C0"). This variant is not present in population databases (gnomAD no frequency). This sequence change replaces isoleucine, which is neutral and non-polar, with leucine, which is neutral and non-polar, at codon 61 of the IDH3A protein (p.Ile61Leu).